The following is an entry in ClinVar:

ClinVar aggregate classification (germline): Uncertain significance. Review status: criteria provided, multiple submitters, no conflicts (2 of 4 stars). 2 submissions from 2 submitters: Uncertain significance (2). Last evaluated 2026-06-25.

Conditions:
CSMD1-related disorder. Also called: CSMD1-related condition.

Allele frequency attached by ClinVar (database versions not stated): gnomAD 0.00001; TOPMed 0.00002.
gnomAD v4.1: 1 of 1,610,678 alleles (0.000062%); highest among the groups gnomAD compares: African/African-American, 0.0013%; no homozygotes.

Submissions (2):

PreventionGenetics, part of Exact Sciences
Classification: Uncertain significance for CSMD1-related condition. Last evaluated: 2026-06-25. Review status: criteria provided, single submitter. Criteria: ACMG Guidelines, 2015. Collection method: clinical testing. Allele origin: germline.
Comment: The CSMD1 c.9241A>G variant is predicted to result in the amino acid substitution p.Lys3081Glu. To our knowledge, this variant has not been reported in the literature or in a large population database (gnomAD), indicating this variant is rare. At this time, the clinical significance of this variant is uncertain due to the absence of conclusive functional and genetic evidence.

Ambry Genetics
Classification: Uncertain significance. Last evaluated: 2024-01-02. Review status: criteria provided, single submitter. Criteria: Ambry Variant Classification Scheme 2023. Collection method: clinical testing. Allele origin: germline.

NM_033225.6(CSMD1):c.9241A>G (p.Lys3081Glu)

Genes: CSMD1 (CUB and Sushi multiple domains 1; minus strand), LOC105377785 (uncharacterized LOC105377785; plus strand). Cytogenetic location: 8p23.2.
Variant type: single nucleotide variant.
Coding change: c.9241A>G on transcript NM_033225.6 (MANE Select); coding-DNA position 9241, A replaced by G.
Protein change: p.Lys3081Glu; replaces lysine 3081 with glutamic acid.
Molecular consequence: missense variant.
Genome position (GRCh38, 1-based): chr8:2,965,814, T>C on the plus strand (A>G on the coding strand, the complement: CSMD1 is on the minus strand). VCF-style: chr8-2965814-T-C. GRCh37 (hg19) VCF-style: chr8-2823336-T-C.
Other names: short protein forms K3081E.
Identifiers: ClinVar variation 3078146 (VCV003078146.2), dbSNP rs1304181120, ClinGen allele CA369970936.
Genomic context (GRCh38, chr8:2,965,814, plus strand): 5'-CCAAAGAGTCACCAAACAAACCTTTGCAGACAGGTTTGCTCGGATTCCACCTGCCGTCTT[T>C]GGTACAGCGAATAGTGGCGGATGTGACTGCTTCCATGACATAGCCTGGGTTACACTGATA-3'
Protein context (NP_150094.5, residues 3071-3091): AVTSATIRCT[Lys3081Glu]DGRWNPSKPV